The following is an entry in ClinVar:

ClinVar aggregate classification (germline): Uncertain significance (1 of 4 stars; one submission).

Submission:

Labcorp Genetics (formerly Invitae), Labcorp
Classification: Uncertain significance. Last evaluated: 2025-06-16. Review status: criteria provided, single submitter. Criteria: Invitae Variant Classification Sherloc (09022015). Collection method: clinical testing. Allele origin: germline.
Comment: This sequence change replaces proline, which is neutral and non-polar, with leucine, which is neutral and non-polar, at codon 459 of the MMP9 protein (p.Pro459Leu). This variant is not present in population databases (gnomAD no frequency). This variant has not been reported in the literature in individuals affected with MMP9-related conditions. An algorithm developed to predict the effect of missense changes on protein structure and function (PolyPhen-2) suggests that this variant is likely to be tolerated. In summary, the available evidence is currently insufficient to determine the role of this variant in disease. Therefore, it has been classified as a Variant of Uncertain Significance.

NM_004994.3(MMP9):c.1376C>T (p.Pro459Leu)

Gene: MMP9 (matrix metallopeptidase 9; plus strand). Cytogenetic location: 20q13.12.
Variant type: single nucleotide variant.
Coding change: c.1376C>T on transcript NM_004994.3 (MANE Select); coding-DNA position 1376, C replaced by T.
Protein change: p.Pro459Leu; replaces proline 459 with leucine.
Molecular consequence: missense variant.
Genome position (GRCh38, 1-based): chr20:46,013,300, C>T. VCF-style: chr20-46013300-C-T. GRCh37 (hg19) VCF-style: chr20-44641939-C-T.
Other names: short protein forms P459L.
Identifiers: ClinVar variation 4811368 (VCV004811368.1).